The following is an entry in ClinVar:

ClinVar aggregate classification (germline): Likely pathogenic (1 of 4 stars; one submission).

Conditions:
VPS13A-related neurodegenerative disease. Also called: ACANTHOCYTOSIS WITH NEUROLOGIC DISORDER; LEVINE-CRITCHLEY SYNDROME; Choreoacanthocytosis; Chorea-acanthocytosis; Choreaacanthocytosis; VPS13A Disease. Identifiers: Orphanet 2388, MedGen C0393576, MONDO:0008695, OMIM 200150.

Submission:

Natera, Inc.
Classification: Likely pathogenic for Choreaacanthocytosis. Last evaluated: 2024-09-30. Review status: criteria provided, single submitter. Criteria: Natera Variant Classification Schema (03/2026). Collection method: clinical testing. Allele origin: germline.
Comment: The c.759_760insTTCAGTATTTTCAGTATTT variant in VPS13A is a frameshift variant predicted to shift the reading frame beginning at codon 254 and leads to a stop codon 12 codons downstream. This variant is expected to result in nonsense mediated decay, truncation, or a dysfunctional protein product. This variant is rare in the general population with a frequency below the threshold expected for the associated phenotype(s). Given the available evidence, this variant is classified as Likely Pathogenic.

NM_033305.2(VPS13A):c.759_760insTTCAGTATTTTCAGTATTT

Gene: VPS13A (vacuolar protein sorting 13 homolog A; plus strand). Cytogenetic location: 9q21.2.
Variant type: Microsatellite.
Coding change: c.759_760insTTCAGTATTTTCAGTATTT on transcript NM_033305.2; coding-DNA positions 759 to 760, TTCAGTATTTTCAGTATTT inserted.
Genome position: GRCh38 VCF-style: chr9-77219946-T-TTTTTCAGTATTTTTCAGTA. GRCh37 (hg19) VCF-style: chr9-79834862-T-TTTTTCAGTATTTTTCAGTA.
Identifiers: ClinVar variation 4816424 (VCV004816424.1).
Genomic context (GRCh38, chr9:77,219,946, plus strand): 5'-CATCACTTTATTGCCTTGAGACTTTGGAAATATAACTCAGTTTTTTTTCCATTTTTATTA[T>TTTTTCAGTATTTTTCAGTA]TTTTCAGTATTTCGTCCCATATCTGCTAATGCCAAACTTGTGATGAATCGCCGATCTGAT-3'